The following is an entry in ClinVar:

NM_002074.5(GNB1):c.194C>A (p.Thr65Lys)

Gene: GNB1 (G protein subunit beta 1; minus strand). Cytogenetic location: 1p36.33.
Variant type: single nucleotide variant.
Coding change: c.194C>A on transcript NM_002074.5 (MANE Select); coding-DNA position 194, C replaced by A.
Protein change: p.Thr65Lys; replaces threonine 65 with lysine.
Molecular consequence: missense variant. On other transcripts: intron variant (1).
Genome position (GRCh38, 1-based): chr1:1,815,765, G>T on the plus strand (C>A on the coding strand, the complement: GNB1 is on the minus strand). VCF-style: chr1-1815765-G-T. GRCh37 (hg19) VCF-style: chr1-1747204-G-T.
Other names: c.194C>A, p.Thr65Lys (NM_001282539.2); c.-97-9227C>A (NM_001282538.2); short protein forms T65K.
Identifiers: ClinVar variation 5008972 (VCV005008972.1).
Genomic context (GRCh38, chr1:1,815,765, plus strand): 5'-AGAGCAGCCCCTGAATGTAACAAGCAGCATCCTGCTCATGCCCACGCCTACCTGGAGTCT[G>T]TGCCCCAGTGCATGGCGTAGATCTTGGCCAGGTGCCCCCGCAGTGTCCTCCTCGTGCGCA-3'
Protein context (NP_002065.1, residues 55-75): LAKIYAMHWG[Thr65Lys]DSRLLVSASQ

ClinVar aggregate classification (germline): Uncertain significance (1 of 4 stars; one submission).

Submission:

GeneDx
Classification: Uncertain significance. Last evaluated: 2026-03-10. Review status: criteria provided, single submitter. Criteria: GeneDx Variant Classification Process June 2021. Collection method: clinical testing. Allele origin: germline.
Comment: Not observed at significant frequency in large population cohorts (gnomAD); In silico analysis supports that this missense variant has a deleterious effect on protein structure/function; Has not been previously published as pathogenic or benign to our knowledge